The following is an entry in ClinVar:

NM_000040.3(APOC3):c.148G>A (p.Val50Met)

Gene: APOC3 (apolipoprotein C3; plus strand). Cytogenetic location: 11q23.3.
Variant type: single nucleotide variant.
Coding change: c.148G>A on transcript NM_000040.3 (MANE Select); coding-DNA position 148, G replaced by A.
Protein change: p.Val50Met; replaces valine 50 with methionine.
Molecular consequence: missense variant.
Genome position (GRCh38, 1-based): chr11:116,830,865, G>A. VCF-style: chr11-116830865-G-A. GRCh37 (hg19) VCF-style: chr11-116701581-G-A.
Other names: short protein forms V50M.
Identifiers: ClinVar variation 1803817 (VCV001803817.2), dbSNP rs201803883, ClinGen allele CA6289663.

ClinVar aggregate classification (germline): Uncertain significance. Review status: criteria provided, multiple submitters, no conflicts (2 of 4 stars). 2 submissions from 2 submitters: Uncertain significance (2). Last evaluated 2025-09-10.

Conditions:
Apolipoprotein c-III deficiency. Identifiers: MedGen C3151467, MONDO:0013534, OMIM 614028.

Allele frequency attached by ClinVar (database versions not stated): gnomAD 0.00007; 1000 Genomes Project 0.00060; 1000 Genomes Project 30x 0.00062.

Submissions (2):

Labcorp Genetics (formerly Invitae), Labcorp
Classification: Uncertain significance. Last evaluated: 2025-09-10. Review status: criteria provided, single submitter. Criteria: Invitae Variant Classification Sherloc (09022015). Collection method: clinical testing. Allele origin: germline.
Comment: This sequence change replaces valine, which is neutral and non-polar, with methionine, which is neutral and non-polar, at codon 50 of the APOC3 protein (p.Val50Met). This variant is present in population databases (rs201803883, gnomAD 0.03%). This variant has not been reported in the literature in individuals affected with APOC3-related conditions. ClinVar contains an entry for this variant (Variation ID: 1803817). An algorithm developed to predict the effect of missense changes on protein structure and function outputs the following: PolyPhen-2: "Benign". The methionine amino acid residue is found in multiple mammalian species, which suggests that this missense change does not adversely affect protein function. In summary, the available evidence is currently insufficient to determine the role of this variant in disease. Therefore, it has been classified as a Variant of Uncertain Significance.

New York Genome Center
Classification: Uncertain significance for Apolipoprotein c-III deficiency. Last evaluated: 2021-05-17. Review status: criteria provided, single submitter. Criteria: NYGC Assertion Criteria 2020. Collection method: clinical testing. Allele origin: germline. Observed: 1 heterozygote.